The following is an entry in ClinVar:

NM_001035.3(RYR2):c.6044G>A (p.Gly2015Glu)

Gene: RYR2 (ryanodine receptor 2; plus strand). Cytogenetic location: 1q43.
Variant type: single nucleotide variant.
Coding change: c.6044G>A on transcript NM_001035.3 (MANE Select); coding-DNA position 6044, G replaced by A.
Protein change: p.Gly2015Glu; replaces glycine 2015 with glutamic acid.
Molecular consequence: missense variant.
Genome position (GRCh38, 1-based): chr1:237,625,682, G>A. VCF-style: chr1-237625682-G-A. GRCh37 (hg19) VCF-style: chr1-237788982-G-A.
Other names: short protein forms G2015E.
Identifiers: ClinVar variation 2767146 (VCV002767146.3), dbSNP rs2546873066, ClinGen allele CA345408771.

ClinVar aggregate classification (germline): Uncertain significance (1 of 4 stars; one submission).

Conditions:
Catecholaminergic polymorphic ventricular tachycardia 1. Also called: RYR2-Related Catecholaminergic Polymorphic Ventricular Tachycardia; VENTRICULAR TACHYCARDIA, STRESS-INDUCED POLYMORPHIC 1; VENTRICULAR TACHYCARDIA, CATECHOLAMINERGIC POLYMORPHIC, 1, WITH OR WITHOUT ATRIAL DYSFUNCTION AND/OR DILATED CARDIOMYOPATHY. Identifiers: Orphanet 3286, MedGen C1631597, MONDO:0011484, OMIM 604772.

Submission:

Labcorp Genetics (formerly Invitae), Labcorp
Classification: Uncertain significance for Catecholaminergic polymorphic ventricular tachycardia 1. Last evaluated: 2023-10-09. Review status: criteria provided, single submitter. Criteria: Invitae Variant Classification Sherloc (09022015). Collection method: clinical testing. Allele origin: germline.
Comment: This sequence change replaces glycine, which is neutral and non-polar, with glutamic acid, which is acidic and polar, at codon 2015 of the RYR2 protein (p.Gly2015Glu). This variant is not present in population databases (gnomAD no frequency). This variant has not been reported in the literature in individuals affected with RYR2-related conditions. Advanced modeling of protein sequence and biophysical properties (such as structural, functional, and spatial information, amino acid conservation, physicochemical variation, residue mobility, and thermodynamic stability) performed at Invitae indicates that this missense variant is not expected to disrupt RYR2 protein function. In summary, the available evidence is currently insufficient to determine the role of this variant in disease. Therefore, it has been classified as a Variant of Uncertain Significance.